The following is an entry in ClinVar:

ClinVar aggregate classification (germline): Uncertain significance (1 of 4 stars; one submission).

Submission:

Labcorp Genetics (formerly Invitae), Labcorp
Classification: Uncertain significance. Last evaluated: 2025-04-20. Review status: criteria provided, single submitter. Criteria: Invitae Variant Classification Sherloc (09022015). Collection method: clinical testing. Allele origin: germline.
Comment: This sequence change replaces valine, which is neutral and non-polar, with isoleucine, which is neutral and non-polar, at codon 57 of the IL21 protein (p.Val57Ile). This variant is not present in population databases (gnomAD no frequency). This variant has not been reported in the literature in individuals affected with IL21-related conditions. An algorithm developed to predict the effect of missense changes on protein structure and function (PolyPhen-2) suggests that this variant is likely to be tolerated. In summary, the available evidence is currently insufficient to determine the role of this variant in disease. Therefore, it has been classified as a Variant of Uncertain Significance.

NM_021803.4(IL21):c.169G>A (p.Val57Ile)

Genes: IL21 (interleukin 21; minus strand), IL21-AS1 (IL21 antisense RNA 1; plus strand), LOC126807147 (CDK7 strongly-dependent group 2 enhancer GRCh37_chr4:123541308-123542507; plus strand). Cytogenetic location: 4q27.
Variant type: single nucleotide variant.
Coding change: c.169G>A on transcript NM_021803.4 (MANE Select); coding-DNA position 169, G replaced by A.
Protein change: p.Val57Ile; replaces valine 57 with isoleucine.
Molecular consequence: missense variant.
Genome position (GRCh38, 1-based): chr4:122,620,736, C>T on the plus strand (G>A on the coding strand, the complement: IL21 is on the minus strand). VCF-style: chr4-122620736-C-T. GRCh37 (hg19) VCF-style: chr4-123541891-C-T.
Other names: c.169G>A, p.Val57Ile (NM_001207006.3); short protein forms V57I.
Identifiers: ClinVar variation 4774902 (VCV004774902.1).